The following is an entry in ClinVar:

NM_001289104.2(PRKCSH):c.1201C>G (p.Leu401Val)

Gene: PRKCSH (PRKCSH beta subunit of glucosidase II; plus strand). Cytogenetic location: 19p13.2.
Variant type: single nucleotide variant.
Coding change: c.1201C>G on transcript NM_001289104.2 (MANE Select); coding-DNA position 1201, C replaced by G.
Protein change: p.Leu401Val; replaces leucine 401 with valine.
Molecular consequence: missense variant.
Genome position (GRCh38, 1-based): chr19:11,448,544, C>G. VCF-style: chr19-11448544-C-G. GRCh37 (hg19) VCF-style: chr19-11559359-C-G.
Other names: c.1171C>G, p.Leu391Val (NM_001001329.3, NM_001289102.2, NM_001379609.1); c.1201C>G, p.Leu401Val (NM_001289103.2); c.1180C>G, p.Leu394Val (NM_001379608.1, NM_002743.3); short protein forms L391V, L394V, L401V.
Identifiers: ClinVar variation 3938165 (VCV003938165.2).
Genomic context (GRCh38, chr19:11,448,544, plus strand): 5'-TGGGTCAGGCACTGGCGTCCCCAGCTGCCCCTTAACCGCTCCGCCTCCCCTTCCAGGAAC[C>G]TGGAGCAAGAGATTTCTTTTGACTTTGGCCCCAACGGGGAGTTTGCTTACCTGTACAGCC-3'
Protein context (NP_001276033.1, residues 391-411): LKDMEESIRN[Leu401Val]EQEISFDFGP

ClinVar aggregate classification (germline): Conflicting classifications of pathogenicity. Review status: criteria provided, conflicting classifications (1 of 4 stars). 2 submissions from 2 submitters: Uncertain significance (1); Likely benign (1). Last evaluated 2025-12-16.

Conditions:
Inborn genetic diseases. Identifiers: MedGen C0950123, MeSH D030342.

Submissions (2):

Labcorp Genetics (formerly Invitae), Labcorp
Classification: Uncertain significance. Last evaluated: 2025-12-16. Review status: criteria provided, single submitter. Criteria: Invitae Variant Classification Sherloc (09022015). Collection method: clinical testing. Allele origin: germline.
Comment: This sequence change replaces leucine, which is neutral and non-polar, with valine, which is neutral and non-polar, at codon 394 of the PRKCSH protein (p.Leu394Val). This variant is present in population databases (rs530493526, gnomAD 0.004%). This variant has not been reported in the literature in individuals affected with PRKCSH-related conditions. ClinVar contains an entry for this variant (Variation ID: 3938165). An algorithm developed to predict the effect of missense changes on protein structure and function (PolyPhen-2) suggests that this variant is likely to be disruptive. In summary, the available evidence is currently insufficient to determine the role of this variant in disease. Therefore, it has been classified as a Variant of Uncertain Significance.

Ambry Genetics
Classification: Likely benign for Inborn genetic diseases. Last evaluated: 2025-03-22. Review status: criteria provided, single submitter. Criteria: Ambry Variant Classification Scheme 2023. Collection method: clinical testing. Allele origin: germline.